The following is an entry in ClinVar:

ClinVar aggregate classification (germline): Likely pathogenic (1 of 4 stars; one submission).

Conditions:
Familial multiple polyposis syndrome (FAP). Also called: Familial adenomatous polyposis; Familial intestinal polyposis; Classic familial adenomatous polyposis; Familial Adenomatous Polyposis (FAP); Familial polyposis. Identifiers: Orphanet 733, MedGen C0032580, MONDO:0021055. Disease mechanism: loss of function.

Submission:

Women's Health and Genetics/Laboratory Corporation of America, LabCorp
Classification: Likely pathogenic for Familial multiple polyposis syndrome. Last evaluated: 2021-06-15. Review status: criteria provided, single submitter. Criteria: LabCorp Variant Classification Summary - May 2015. Collection method: clinical testing. Allele origin: germline.
Comment: Variant summary: APC c.1206_1207delTG (p.Glu403AsnfsX15) results in a premature termination codon, predicted to cause a truncation of the encoded protein or absence of the protein due to nonsense mediated decay, which are commonly known mechanisms for disease. Truncations downstream of this position have been classified as pathogenic by our laboratory. The variant was absent in 250352 control chromosomes. To our knowledge, no occurrence of c.1206_1207delTG in individuals affected with Familial Adenomatous Polyposis and no experimental evidence demonstrating its impact on protein function have been reported. No clinical diagnostic laboratories have submitted clinical-significance assessments for this variant to ClinVar after 2014. Based on the evidence outlined above, the variant was classified as likely pathogenic.

NM_000038.6(APC):c.1206_1207del (p.Glu403fs)

Gene: APC (APC regulator of Wnt signaling pathway; plus strand). Cytogenetic location: 5q22.2.
Variant type: Deletion.
Coding change: c.1206_1207del on transcript NM_000038.6 (MANE Select); coding-DNA positions 1206 to 1207, 2 bases deleted (TG; older notation c.1206_1207delTG).
Protein change: p.Glu403fs; shifts the reading frame from glutamic acid 403.
Molecular consequence: frameshift variant. On other transcripts: intron variant (4).
Genome position (GRCh38, 1-based): chr5:112,819,238-112,819,239, TG deleted; deleting any 2 consecutive bases within chr5:112,819,237-112,819,239 gives the same sequence; the c. name uses the placement nearest the transcript's 3' end. VCF-style (leftmost placement, unchanged base first): chr5-112819236-CGT-C. GRCh37 (hg19) VCF-style: chr5-112154933-CGT-C.
Other names: c.964-31_964-30del (NM_001354902.2); c.859-31_859-30del (NM_001354904.2); c.934-31_934-30del (NM_001354903.2); c.757-31_757-30del (NM_001354905.2); c.1206_1207del, p.Glu403fs (NM_001127510.3, NM_001354895.2, NM_001354896.2); c.1152_1153del, p.Glu385fs (NM_001127511.3); c.1236_1237del, p.Glu413fs (NM_001354897.2); c.1131_1132del, p.Glu378fs (NM_001354898.2); and 3 more; short protein forms E120fs, E344fs, E375fs, E378fs, E385fs, E403fs, E413fs.
Identifiers: ClinVar variation 932186 (VCV000932186.2), dbSNP rs1762855243, ClinGen allele CA1139658988.